The following is an entry in ClinVar:

ClinVar aggregate classification (germline): Uncertain significance (1 of 4 stars; one submission).

Conditions:
Hereditary cancer-predisposing syndrome. Also called: Tumor predisposition; Hereditary neoplastic syndrome; Hereditary Cancer Syndrome; Neoplastic Syndromes, Hereditary. Identifiers: Orphanet 140162, MedGen C0027672, MeSH D009386, MONDO:0015356.

Allele frequency attached by ClinVar (database versions not stated): ExAC 0.00001.

Submission:

Ambry Genetics
Classification: Uncertain significance for Hereditary cancer-predisposing syndrome. Last evaluated: 2023-12-27. Review status: criteria provided, single submitter. Criteria: Ambry Variant Classification Scheme 2023. Collection method: clinical testing. Allele origin: germline.
Comment: The p.Q195L variant (also known as c.584A>T), located in coding exon 6 of the BMPR1A gene, results from an A to T substitution at nucleotide position 584. The glutamine at codon 195 is replaced by leucine, an amino acid with dissimilar properties. This amino acid position is well conserved in available vertebrate species. In addition, the in silico prediction for this alteration is inconclusive. Since supporting evidence is limited at this time, the clinical significance of this alteration remains unclear.

NM_004329.3(BMPR1A):c.584A>T (p.Gln195Leu)

Gene: BMPR1A (bone morphogenetic protein receptor type 1A; plus strand). Cytogenetic location: 10q23.2.
Variant type: single nucleotide variant.
Coding change: c.584A>T on transcript NM_004329.3 (MANE Select); coding-DNA position 584, A replaced by T.
Protein change: p.Gln195Leu; replaces glutamine 195 with leucine.
Molecular consequence: missense variant. On other transcripts: non-coding transcript variant (3), intron variant (1).
Genome position (GRCh38, 1-based): chr10:86,912,293, A>T. VCF-style: chr10-86912293-A-T. GRCh37 (hg19) VCF-style: chr10-88672050-A-T.
Other names: c.659A>T, p.Gln220Leu (NM_001406559.1); c.632A>T, p.Gln211Leu (NM_001406560.1); c.584A>T, p.Gln195Leu (NM_001406561.1, NM_001406562.1, NM_001406563.1 and 20 more transcripts); c.500A>T, p.Gln167Leu (NM_001406584.1, NM_001406585.1, NM_001406586.1 and 2 more transcripts); c.334-4841A>T (NM_001406589.1); short protein forms Q167L, Q195L, Q211L, Q220L.
Identifiers: ClinVar variation 3223959 (VCV003223959.1), dbSNP rs775295628, ClinGen allele CA5585559.
Genomic context (GRCh38, chr10:86,912,293, plus strand): 5'-TTAAAAGACATTATTGCAAGAGCATCTCAAGCAGACGTCGTTACAATCGTGATTTGGAAC[A>T]GGATGAAGCATTTATTCCAGTTGGAGAATCACTAAAAGACCTTATTGACCAGTCACAAAG-3'
Protein context (NP_004320.2, residues 185-205): SRRRYNRDLE[Gln195Leu]DEAFIPVGES